The following is an entry in ClinVar:

NM_014738.6(TMEM94):c.2364C>G (p.Ile788Met)

Gene: TMEM94 (transmembrane protein 94; plus strand). Cytogenetic location: 17q25.1.
Variant type: single nucleotide variant.
Coding change: c.2364C>G on transcript NM_014738.6 (MANE Select); coding-DNA position 2364, C replaced by G.
Protein change: p.Ile788Met; replaces isoleucine 788 with methionine.
Molecular consequence: missense variant.
Genome position (GRCh38, 1-based): chr17:75,493,873, C>G. VCF-style: chr17-75493873-C-G. GRCh37 (hg19) VCF-style: chr17-73489954-C-G.
Other names: c.2346C>G, p.Ile782Met (NM_001438846.1); c.2364C>G, p.Ile788Met (NM_001438847.1, NM_001438841.1); c.2358C>G, p.Ile786Met (NM_001438848.1); c.2406C>G, p.Ile802Met (NM_001438843.1, NM_001438842.1); c.2394C>G, p.Ile798Met (NM_001438844.1, NM_001321148.2, NM_001351203.2); c.2376C>G, p.Ile792Met (NM_001438845.1, NM_001321149.2); c.2316C>G, p.Ile772Met (NM_001351202.2); short protein forms I772M, I782M, I786M, I788M, I792M, I798M, I802M.
Identifiers: ClinVar variation 4686331 (VCV004686331.1).

ClinVar aggregate classification (germline): Uncertain significance (1 of 4 stars; one submission).

gnomAD v4.1: 7 of 1,612,468 alleles (0.00043%); highest among the groups gnomAD compares: African/African-American, 0.0053%; no homozygotes.

Submission:

GeneDx
Classification: Uncertain significance. Last evaluated: 2025-07-16. Review status: criteria provided, single submitter. Criteria: GeneDx Variant Classification Process June 2021. Collection method: clinical testing. Allele origin: germline. Affected: yes.
Comment: In silico analysis suggests that this missense variant does not alter protein structure/function; Has not been previously published as pathogenic or benign to our knowledge